The following is an entry in ClinVar:

ClinVar aggregate classification (germline): Uncertain significance. Review status: criteria provided, multiple submitters, no conflicts (2 of 4 stars). 2 submissions from 2 submitters: Uncertain significance (2). Last evaluated 2024-02-29.

Conditions:
Charcot-Marie-Tooth disease axonal type 2O. Also called: CHARCOT-MARIE-TOOTH NEUROPATHY, AXONAL, TYPE 2O; CHARCOT-MARIE-TOOTH DISEASE, AXONAL, AUTOSOMAL DOMINANT, TYPE 2O; Charcot-Marie-Tooth Neuropathy Type 2O; Charcot-Marie-Tooth disease, axonal, type 20. Identifiers: Orphanet 284232, MedGen C3280220, MONDO:0013644, OMIM 614228.

Submissions (2):

GeneDx
Classification: Uncertain significance. Last evaluated: 2024-02-29. Review status: criteria provided, single submitter. Criteria: GeneDx Variant Classification Process June 2021. Collection method: clinical testing. Allele origin: germline. Affected: yes.
Comment: Not observed at significant frequency in large population cohorts (gnomAD); Nonsense variant predicted to result in protein truncation or nonsense mediated decay in a gene for which loss-of-function is not a known mechanism of disease; Has not been previously published as pathogenic or benign to our knowledge

Labcorp Genetics (formerly Invitae), Labcorp
Classification: Uncertain significance for Charcot-Marie-Tooth disease axonal type 2O. Last evaluated: 2023-01-23. Review status: criteria provided, single submitter. Criteria: Invitae Variant Classification Sherloc (09022015). Collection method: clinical testing. Allele origin: germline.
Comment: In summary, the available evidence is currently insufficient to determine the role of this variant in disease. Therefore, it has been classified as a Variant of Uncertain Significance. This sequence change creates a premature translational stop signal (p.Arg3873*) in the DYNC1H1 gene. It is expected to result in an absent or disrupted protein product. However, the current clinical and genetic evidence is not sufficient to establish whether loss-of-function variants in DYNC1H1 cause disease. This variant is not present in population databases (gnomAD no frequency). This variant has not been reported in the literature in individuals affected with DYNC1H1-related conditions. Experimental studies and prediction algorithms are not available or were not evaluated, and the functional significance of this variant is currently unknown.

NM_001376.5(DYNC1H1):c.11617C>T (p.Arg3873Ter)

Gene: DYNC1H1 (dynein cytoplasmic 1 heavy chain 1; plus strand). Cytogenetic location: 14q32.31.
Variant type: single nucleotide variant.
Coding change: c.11617C>T on transcript NM_001376.5 (MANE Select); coding-DNA position 11617, C replaced by T.
Protein change: p.Arg3873Ter; replaces arginine 3873 with a stop codon.
Molecular consequence: nonsense.
Genome position (GRCh38, 1-based): chr14:102,039,659, C>T. VCF-style: chr14-102039659-C-T. GRCh37 (hg19) VCF-style: chr14-102505996-C-T.
Other names: short protein forms R3873*.
Identifiers: ClinVar variation 2976071 (VCV002976071.4), dbSNP rs2503847249, ClinGen allele CA391034959.